The following is an entry in ClinVar:

ClinVar aggregate classification (germline): Uncertain significance. Review status: criteria provided, multiple submitters, no conflicts (2 of 4 stars). 2 submissions from 2 submitters: Uncertain significance (2). Last evaluated 2025-09-21.

Conditions:
Hereditary pheochromocytoma and paraganglioma. Also called: Hereditary pheochromocytoma-paraganglioma; Hereditary Paraganglioma-Pheochromocytoma Syndromes; Hereditary paragangliomas and pheochromocytomas. Identifiers: Orphanet 29072, MedGen C4274332, MONDO:0017366.
Hereditary cancer-predisposing syndrome. Also called: Tumor predisposition; Neoplastic Syndromes, Hereditary; Hereditary neoplastic syndrome; Hereditary Cancer Syndrome. Identifiers: Orphanet 140162, MedGen C0027672, MeSH D009386, MONDO:0015356.

Submissions (2):

Ambry Genetics
Classification: Uncertain significance for Hereditary cancer-predisposing syndrome. Last evaluated: 2025-09-21. Review status: criteria provided, single submitter. Criteria: Ambry Variant Classification Scheme 2023. Collection method: clinical testing. Allele origin: germline.
Comment: The p.S113N variant (also known as c.338G>A), located in coding exon 3 of the SDHAF2 gene, results from a G to A substitution at nucleotide position 338. The serine at codon 113 is replaced by asparagine, an amino acid with highly similar properties. This amino acid position is conserved. In addition, this alteration is predicted to be tolerated by in silico analysis. Based on the available evidence, the clinical significance of this variant remains unclear.

Labcorp Genetics (formerly Invitae), Labcorp
Classification: Uncertain significance for Hereditary pheochromocytoma and paraganglioma. Last evaluated: 2025-08-03. Review status: criteria provided, single submitter. Criteria: Invitae Variant Classification Sherloc (09022015). Collection method: clinical testing. Allele origin: germline.
Comment: This sequence change replaces serine, which is neutral and polar, with asparagine, which is neutral and polar, at codon 113 of the SDHAF2 protein (p.Ser113Asn). This variant is not present in population databases (gnomAD no frequency). This variant has not been reported in the literature in individuals affected with SDHAF2-related conditions. An algorithm developed to predict the effect of missense changes on protein structure and function (PolyPhen-2) suggests that this variant is likely to be disruptive. In summary, the available evidence is currently insufficient to determine the role of this variant in disease. Therefore, it has been classified as a Variant of Uncertain Significance.

NM_017841.4(SDHAF2):c.338G>A (p.Ser113Asn)

Gene: SDHAF2 (succinate dehydrogenase complex assembly factor 2; plus strand). Cytogenetic location: 11q12.2.
Variant type: single nucleotide variant.
Coding change: c.338G>A on transcript NM_017841.4 (MANE Select); coding-DNA position 338, G replaced by A.
Protein change: p.Ser113Asn; replaces serine 113 with asparagine.
Molecular consequence: missense variant.
Genome position (GRCh38, 1-based): chr11:61,438,081, G>A. VCF-style: chr11-61438081-G-A. GRCh37 (hg19) VCF-style: chr11-61205553-G-A.
Other names: short protein forms S113N.
Identifiers: ClinVar variation 4547255 (VCV004547255.2).